The following is an entry in ClinVar:

ClinVar aggregate classification (germline): Uncertain significance (1 of 4 stars; one submission).

Conditions:
KMT2D-related disorder. Also called: KMT2D-Related Disorders.

Submission:

PreventionGenetics, part of Exact Sciences
Classification: Uncertain significance for KMT2D-related condition. Last evaluated: 2026-09-18. Review status: criteria provided, single submitter. Criteria: ACMG Guidelines, 2015. Collection method: clinical testing. Allele origin: germline.
Comment: The KMT2D c.14398A>G variant is predicted to result in the amino acid substitution p.Met4800Val. To our knowledge, this variant has not been reported in the literature or in a large population database (gnomAD), indicating this variant is rare. At this time, the clinical significance of this variant is uncertain due to the absence of conclusive functional and genetic evidence.

NM_003482.4(KMT2D):c.14398A>G (p.Met4800Val)

Gene: KMT2D (lysine methyltransferase 2D; minus strand). Cytogenetic location: 12q13.12.
Variant type: single nucleotide variant.
Coding change: c.14398A>G on transcript NM_003482.4 (MANE Select); coding-DNA position 14398, A replaced by G.
Protein change: p.Met4800Val; replaces methionine 4800 with valine.
Molecular consequence: missense variant.
Genome position (GRCh38, 1-based): chr12:49,028,126, T>C on the plus strand (A>G on the coding strand, the complement: KMT2D is on the minus strand). VCF-style: chr12-49028126-T-C. GRCh37 (hg19) VCF-style: chr12-49421909-T-C.
Other names: short protein forms M4800V.
Identifiers: ClinVar variation 4993844 (VCV004993844.1).
Genomic context (GRCh38, chr12:49,028,126, plus strand): 5'-GGAACAGCACCTCATAGGAGTTGGGGATCTTCATGCTCAGCAGCTCCGCCACTGCCACCA[T>C]CACGCCATTCAGGTTCTGCCAGGGCCAGGGAAGGGATGGAAGAAACATATCAGCCAAGTG-3'
Protein context (NP_003473.3, residues 4790-4810): AAAAKNLNGV[Met4800Val]VAVAELLSMK